The following is an entry in ClinVar:

NM_001348323.3(TRIP12):c.3054A>T (p.Pro1018=)

Gene: TRIP12 (thyroid hormone receptor interactor 12; minus strand). Cytogenetic location: 2q36.3.
Variant type: single nucleotide variant.
Coding change: c.3054A>T on transcript NM_001348323.3 (MANE Select); coding-DNA position 3054, A replaced by T.
Protein change: p.Pro1018=; no amino-acid change (proline 1018 retained).
Molecular consequence: synonymous variant.
Genome position (GRCh38, 1-based): chr2:229,802,404, T>A on the plus strand (A>T on the coding strand, the complement: TRIP12 is on the minus strand). VCF-style: chr2-229802404-T-A. GRCh37 (hg19) VCF-style: chr2-230667120-T-A.
Other names: c.2973A>T, p.Pro991= (NM_001284214.2, NM_001348315.2); c.2928A>T, p.Pro976= (NM_001284215.2, NM_001348316.2, NM_001348317.1 and 1 more transcripts); c.2019A>T, p.Pro673= (NM_001284216.2); c.3054A>T, p.Pro1018= (NM_001348319.1, NM_001348320.2, NM_001348322.1 and 4 more transcripts); c.3057A>T, p.Pro1019= (NM_001348321.1, NM_001348328.1, NM_001348329.2 and 1 more transcripts); c.2847A>T, p.Pro949= (NM_001348331.1); c.2967A>T, p.Pro989= (NM_001348332.1); c.2976A>T, p.Pro992= (NM_001348333.1); and 1 more.
Identifiers: ClinVar variation 2672864 (VCV002672864.23), dbSNP rs551731160, ClinGen allele CA2152854.

ClinVar aggregate classification (germline): Likely benign (1 of 4 stars; one submission).

gnomAD v4.1: 34 of 1,613,924 alleles (0.0021%); highest among the groups gnomAD compares: South Asian, 0.0099%; 1 homozygote.

Submission:

CeGaT Center for Human Genetics Tuebingen
Classification: Likely benign. Last evaluated: 2023-11-01. Review status: criteria provided, single submitter. Criteria: CeGaT Center For Human Genetics Tuebingen Variant Classification Criteria Version 2. Collection method: clinical testing. Allele origin: germline. Affected: yes. Observed: 1 variant allele.
Comment: TRIP12: BP4, BP7